The following is an entry in ClinVar:

NM_001364564.1(SALL2):c.1259G>A (p.Arg420Gln)

Gene: SALL2 (spalt like transcription factor 2; minus strand). Cytogenetic location: 14q11.2.
Variant type: single nucleotide variant.
Coding change: c.1259G>A on transcript NM_001364564.1 (MANE Select); coding-DNA position 1259, G replaced by A.
Protein change: p.Arg420Gln; replaces arginine 420 with glutamine.
Molecular consequence: missense variant.
Genome position (GRCh38, 1-based): chr14:21,524,463, C>T on the plus strand (G>A on the coding strand, the complement: SALL2 is on the minus strand). VCF-style: chr14-21524463-C-T. GRCh37 (hg19) VCF-style: chr14-21992597-C-T.
Other names: c.860G>A, p.Arg287Gln (NM_001291446.2); c.854G>A, p.Arg285Gln (NM_001291447.2); c.1265G>A, p.Arg422Gln (NM_005407.3); short protein forms R287Q, R285Q, R420Q, R422Q.
Identifiers: ClinVar variation 1901992 (VCV001901992.5), dbSNP rs1349018794, ClinGen allele CA388911888.

ClinVar aggregate classification (germline): Uncertain significance (1 of 4 stars; one submission).

Allele frequency attached by ClinVar (database versions not stated): TOPMed below 0.00001; gnomAD 0.00001.
gnomAD v4.1: 2 of 1,614,122 alleles (0.00012%); highest among the groups gnomAD compares: African/African-American, 0.0027%; no homozygotes.

Submission:

Labcorp Genetics (formerly Invitae), Labcorp
Classification: Uncertain significance. Last evaluated: 2022-01-02. Review status: criteria provided, single submitter. Criteria: Invitae Variant Classification Sherloc (09022015). Collection method: clinical testing. Allele origin: germline.
Comment: In summary, the available evidence is currently insufficient to determine the role of this variant in disease. Therefore, it has been classified as a Variant of Uncertain Significance. Algorithms developed to predict the effect of sequence changes on RNA splicing suggest that this variant may create or strengthen a splice site. Algorithms developed to predict the effect of missense changes on protein structure and function are either unavailable or do not agree on the potential impact of this missense change (SIFT: "Deleterious"; PolyPhen-2: "Probably Damaging"; Align-GVGD: "Class C0"). This variant has not been reported in the literature in individuals affected with SALL2-related conditions. This variant is not present in population databases (gnomAD no frequency). This sequence change replaces arginine, which is basic and polar, with glutamine, which is neutral and polar, at codon 422 of the SALL2 protein (p.Arg422Gln).